The following is an entry in ClinVar:

ClinVar aggregate classification (germline): Benign/Likely benign. Review status: criteria provided, multiple submitters, no conflicts (2 of 4 stars). 2 submissions from 2 submitters: Benign (1); Likely benign (1). Last evaluated 2024-11-26.

Allele frequency attached by ClinVar (database versions not stated): ExAC 0.00106; 1000 Genomes Project 30x 0.00609; 1000 Genomes Project 0.00679.
gnomAD v4.1: 579 of 1,530,170 alleles (0.038%); highest among the groups gnomAD compares: East Asian, 0.77%; 8 homozygotes.

Submissions (2):

Blueprint Genetics
Classification: Likely benign. Last evaluated: 2024-11-26. Review status: criteria provided, single submitter. Criteria: ACMG Guidelines, 2015. Collection method: clinical testing. Allele origin: germline.

CeGaT Center for Human Genetics Tuebingen
Classification: Benign. Last evaluated: 2022-10-01. Review status: criteria provided, single submitter. Criteria: CeGaT Center For Human Genetics Tuebingen Variant Classification Criteria Version 2. Collection method: clinical testing. Allele origin: germline. Affected: yes. Observed: 1 variant allele.
Comment: BICRA: BS1, BS2

NM_001394372.1(BICRA):c.1206G>T (p.Ala402=)

Gene: BICRA (BRD4 interacting chromatin remodeling complex associated protein; plus strand). Cytogenetic location: 19q13.33.
Variant type: single nucleotide variant.
Coding change: c.1206G>T on transcript NM_001394372.1 (MANE Select); coding-DNA position 1206, G replaced by T.
Protein change: p.Ala402=; no amino-acid change (alanine 402 retained).
Molecular consequence: synonymous variant.
Genome position (GRCh38, 1-based): chr19:47,680,376, G>T. VCF-style: chr19-47680376-G-T. GRCh37 (hg19) VCF-style: chr19-48183633-G-T.
Other names: c.1206G>T, p.Ala402= (NM_015711.3).
Identifiers: ClinVar variation 2650163 (VCV002650163.25), dbSNP rs371215563, ClinGen allele CA9541679.
Genomic context (GRCh38, chr19:47,680,376, plus strand): 5'-CGAGCCGGGGGCGCTCCCGCAGCAGCCCAAGGCCCCGCAGAACCTGACGTTCATGGCGGC[G>T]GGGAAGGCGGGCCAGAACGTGGTGCTGTCGGGCTTCCCCGCGCCTGCGCTGCAAGCGAAC-3'
Protein context (NP_001381301.1, residues 392-412): KAPQNLTFMA[Ala402=]GKAGQNVVLS